The following is an entry in ClinVar:

ClinVar aggregate classification (germline): Uncertain significance. Review status: criteria provided, multiple submitters, no conflicts (2 of 4 stars). 2 submissions from 2 submitters: Uncertain significance (2). Last evaluated 2025-07-16.

Conditions:
Hereditary cancer-predisposing syndrome. Also called: Hereditary neoplastic syndrome; Neoplastic Syndromes, Hereditary; Tumor predisposition; Hereditary Cancer Syndrome. Identifiers: Orphanet 140162, MedGen C0027672, MeSH D009386, MONDO:0015356.
Familial cancer of breast. Also called: hereditary breast carcinoma; Hereditary breast cancer; BREAST CANCER, FAMILIAL. Identifiers: Orphanet 227535, MedGen C0346153, MONDO:0016419, OMIM 114480. Disease mechanism: loss of function.

Allele frequency attached by ClinVar (database versions not stated): gnomAD exomes below 0.00001.
gnomAD v4.1: 2 of 1,613,576 alleles (0.00012%); highest among the groups gnomAD compares: Non-Finnish European, 0.00017%; no homozygotes.

Submissions (2):

Labcorp Genetics (formerly Invitae), Labcorp
Classification: Uncertain significance for Familial cancer of breast. Last evaluated: 2025-07-16. Review status: criteria provided, single submitter. Criteria: Invitae Variant Classification Sherloc (09022015). Collection method: clinical testing. Allele origin: germline.
Comment: This sequence change replaces glutamic acid, which is acidic and polar, with glycine, which is neutral and non-polar, at codon 308 of the CHEK2 protein (p.Glu308Gly). This variant is not present in population databases (gnomAD no frequency). This variant has not been reported in the literature in individuals affected with CHEK2-related conditions. ClinVar contains an entry for this variant (Variation ID: 1508839). An algorithm developed to predict the effect of missense changes on protein structure and function (PolyPhen-2) suggests that this variant is likely to be disruptive. In summary, the available evidence is currently insufficient to determine the role of this variant in disease. Therefore, it has been classified as a Variant of Uncertain Significance.

Ambry Genetics
Classification: Uncertain significance for Hereditary cancer-predisposing syndrome. Last evaluated: 2021-12-30. Review status: criteria provided, single submitter. Criteria: Ambry Variant Classification Scheme 2023. Collection method: clinical testing. Allele origin: germline.
Comment: The p.E308G variant (also known as c.923A>G), located in coding exon 8 of the CHEK2 gene, results from an A to G substitution at nucleotide position 923. The glutamic acid at codon 308 is replaced by glycine, an amino acid with similar properties. This alteration has been reported in at least one breast cancer patient in a study of 13087 breast cancer cases and 5488 control individuals in the UK (Decker B et al. J Med Genet, 2017 11;54:732-741). This amino acid position is highly conserved in available vertebrate species. In addition, this alteration is predicted to be deleterious by in silico analysis. Since supporting evidence is limited at this time, the clinical significance of this alteration remains unclear.

Literature cited by the submitters: PubMed 28779002 (cited by Ambry Genetics).

NM_007194.4(CHEK2):c.923A>G (p.Glu308Gly)

Gene: CHEK2 (checkpoint kinase 2; minus strand). Cytogenetic location: 22q12.1.
Variant type: single nucleotide variant.
Coding change: c.923A>G on transcript NM_007194.4 (MANE Select); coding-DNA position 923, A replaced by G.
Protein change: p.Glu308Gly; replaces glutamic acid 308 with glycine.
Molecular consequence: missense variant.
Genome position (GRCh38, 1-based): chr22:28,699,923, T>C on the plus strand (A>G on the coding strand, the complement: CHEK2 is on the minus strand). VCF-style: chr22-28699923-T-C. GRCh37 (hg19) VCF-style: chr22-29095911-T-C.
Other names: c.1052A>G, p.Glu351Gly (NM_001005735.3); c.260A>G, p.Glu87Gly (NM_001257387.3); c.722A>G, p.Glu241Gly (NM_001349956.3); c.923A>G, p.Glu308Gly (NM_145862.3); short protein forms E308G, E351G, E241G, E87G.
Identifiers: ClinVar variation 1508839 (VCV001508839.9), dbSNP rs2145844660, ClinGen allele CA411100100.